The following is an entry in ClinVar:

NM_001303256.3(MORC2):c.1051A>G (p.Arg351Gly)

Gene: MORC2 (MORC family CW-type zinc finger 2; minus strand). Cytogenetic location: 22q12.2.
Variant type: single nucleotide variant.
Coding change: c.1051A>G on transcript NM_001303256.3 (MANE Select); coding-DNA position 1051, A replaced by G.
Protein change: p.Arg351Gly; replaces arginine 351 with glycine.
Molecular consequence: missense variant.
Genome position (GRCh38, 1-based): chr22:30,939,643, T>C on the plus strand (A>G on the coding strand, the complement: MORC2 is on the minus strand). VCF-style: chr22-30939643-T-C. GRCh37 (hg19) VCF-style: chr22-31335630-T-C.
Other names: c.1051A>G, p.Arg351Gly (NM_001303257.2); c.865A>G, p.Arg289Gly (NM_014941.3); short protein forms R289G, R351G.
Identifiers: ClinVar variation 3061162 (VCV003061162.2), dbSNP rs763533156, ClinGen allele CA411239770.

ClinVar aggregate classification (germline): Uncertain significance (0 of 4 stars; one submission).

Conditions:
MORC2-related disorder. Also called: MORC2-related condition.

Submission:

PreventionGenetics, part of Exact Sciences
Classification: Uncertain significance for MORC2-related condition. Last evaluated: 2024-02-16. Review status: no assertion criteria provided. Collection method: clinical testing. Allele origin: germline.
Comment: The MORC2 c.1051A>G variant is predicted to result in the amino acid substitution p.Arg351Gly. To our knowledge, this variant has not been reported in the literature or in a large population database, indicating it is rare. At this time, the clinical significance of this variant is uncertain due to the absence of conclusive functional and genetic evidence.